The following is an entry in ClinVar:

ClinVar aggregate classification (germline): Pathogenic (1 of 4 stars; one submission).

Submission:

Labcorp Genetics (formerly Invitae), Labcorp
Classification: Pathogenic. Last evaluated: 2026-01-06. Review status: criteria provided, single submitter. Criteria: Invitae Variant Classification Sherloc (09022015). Collection method: clinical testing. Allele origin: germline.
Comment: This sequence change creates a premature translational stop signal (p.Glu249*) in the EARS2 gene. It is expected to result in an absent or disrupted protein product. Loss-of-function variants in EARS2 are known to be pathogenic (PMID: 22492562). This variant is present in population databases (rs774951407, gnomAD 0.006%). This variant has not been reported in the literature in individuals affected with EARS2-related conditions. For these reasons, this variant has been classified as Pathogenic.

Literature cited by the submitters: PubMed 22492562.

NM_001083614.2(EARS2):c.744dup (p.Glu249Ter)

Gene: EARS2 (glutamyl-tRNA synthetase 2, mitochondrial; minus strand). Cytogenetic location: 16p12.2.
Variant type: Duplication.
Coding change: c.744dup on transcript NM_001083614.2 (MANE Select); coding-DNA position 744, one base duplicated (T; older notation c.744dupT).
Protein change: p.Glu249Ter; replaces glutamic acid 249 with a stop codon.
Molecular consequence: nonsense. On other transcripts: non-coding transcript variant (1).
Genome position (GRCh38, 1-based): chr16:23,535,102, A duplicated on the plus strand (T on the coding strand, the reverse complement: EARS2 is on the minus strand). VCF-style (leftmost placement, unchanged base first): chr16-23535101-C-CA. GRCh37 (hg19) VCF-style: chr16-23546422-C-CA.
Other names: c.744dup, p.Glu249Ter (NM_001308211.1); short protein forms E249*.
Identifiers: ClinVar variation 4804720 (VCV004804720.1).